The following is an entry in ClinVar:

NM_024027.5(COLEC11):c.726C>T (p.Cys242=)

Gene: COLEC11 (collectin subfamily member 11; plus strand). Cytogenetic location: 2p25.3.
Variant type: single nucleotide variant.
Coding change: c.726C>T on transcript NM_024027.5 (MANE Select); coding-DNA position 726, C replaced by T.
Protein change: p.Cys242=; no amino-acid change (cysteine 242 retained).
Molecular consequence: synonymous variant. On other transcripts: non-coding transcript variant (1).
Genome position (GRCh38, 1-based): chr2:3,644,028, C>T. VCF-style: chr2-3644028-C-T. GRCh37 (hg19) VCF-style: chr2-3691618-C-T.
Other names: c.654C>T, p.Cys218= (NM_001255982.2, NM_001255983.2); c.582C>T, p.Cys194= (NM_001255984.2); c.768C>T, p.Cys256= (NM_001255985.1); c.648C>T, p.Cys216= (NM_001255986.1); c.576C>T, p.Cys192= (NM_001255987.1, NM_001255988.1); c.504C>T, p.Cys168= (NM_001255989.1); c.717C>T, p.Cys239= (NM_199235.3).
Identifiers: ClinVar variation 3043782 (VCV003043782.2), dbSNP rs200835001, ClinGen allele CA1517144.

ClinVar aggregate classification (germline): Likely benign (0 of 4 stars; one submission).

Conditions:
COLEC11-related disorder. Also called: COLEC11-related condition.

Allele frequency attached by ClinVar (database versions not stated): TOPMed 0.00001; ExAC 0.00005; gnomAD 0.00007; 1000 Genomes Project 0.00020; 1000 Genomes Project 30x 0.00031.
gnomAD v4.1: 48 of 1,613,912 alleles (0.003%); highest among the groups gnomAD compares: Admixed American, 0.01%; no homozygotes.

Submission:

PreventionGenetics, part of Exact Sciences
Classification: Likely benign for COLEC11-related condition. Last evaluated: 2019-06-08. Review status: no assertion criteria provided. Collection method: clinical testing. Allele origin: germline.
Comment: This variant is classified as likely benign based on ACMG/AMP sequence variant interpretation guidelines (Richards et al. 2015 PMID: 25741868, with internal and published modifications).